The following is an entry in ClinVar:

NM_000152.5(GAA):c.1076-3C>T

Gene: GAA (alpha glucosidase; plus strand). Cytogenetic location: 17q25.3.
Variant type: single nucleotide variant.
Coding change: c.1076-3C>T on transcript NM_000152.5 (MANE Select); 3 bases into the intron before coding-DNA position 1076, C replaced by T.
Molecular consequence: intron variant.
Genome position (GRCh38, 1-based): chr17:80,108,486, C>T. VCF-style: chr17-80108486-C-T. GRCh37 (hg19) VCF-style: chr17-78082285-C-T.
Other names: c.1076-3C>T (NM_001079803.3, NM_001079804.3, NM_000152.3).
Identifiers: ClinVar variation 1414905 (VCV001414905.7), dbSNP rs1220435321, ClinGen allele CA628018371.
Genomic context (GRCh38, chr17:80,108,486, plus strand): 5'-GGCCGCGGCCCCCGCCCCAAGGCTCCCTCCTCCCTCCCTCATGAAGTCGGCGTTGGCCTG[C>T]AGGATACCCGTTCATGCCGCCATACTGGGGCCTGGGCTTCCACCTGTGCCGCTGGGGCTA-3'

ClinVar aggregate classification (germline): Uncertain significance. Review status: criteria provided, multiple submitters, no conflicts (2 of 4 stars). 3 submissions from 3 submitters: Uncertain significance (3). Last evaluated 2026-01-26.

Conditions:
Glycogen storage disease, type II (IOPD). Also called: Glycogen storage disease type 2; Acid maltase deficiency disease; Aglucosidase alfa; Deficiency of alpha-glucosidase; Deficiency of lysosomal alpha-glucosidase; CARDIOMEGALIA GLYCOGENICA DIFFUSA. Identifiers: Orphanet 365, MedGen C0017921, MONDO:0009290, OMIM 232300.

Allele frequency attached by ClinVar (database versions not stated): gnomAD exomes below 0.00001; gnomAD 0.00001.
gnomAD v4.1: 4 of 1,613,014 alleles (0.00025%); highest among the groups gnomAD compares: African/African-American, 0.0013%; no homozygotes.

Submissions (3):

Labcorp Genetics (formerly Invitae), Labcorp
Classification: Uncertain significance for Glycogen storage disease, type II. Last evaluated: 2026-01-26. Review status: criteria provided, single submitter. Criteria: Invitae Variant Classification Sherloc (09022015). Collection method: clinical testing. Allele origin: germline.
Comment: This sequence change falls in intron 6 of the GAA gene. It does not directly change the encoded amino acid sequence of the GAA protein. It affects a nucleotide within the consensus splice site. This variant is present in population databases (no rsID available, gnomAD 0.0009%). This variant has not been reported in the literature in individuals affected with GAA-related conditions. ClinVar contains an entry for this variant (Variation ID: 1414905). Variants that disrupt the consensus splice site are a relatively common cause of aberrant splicing (PMID: 17576681, 9536098). Algorithms developed to predict the effect of sequence changes on RNA splicing suggest that this variant is not likely to affect RNA splicing. In summary, the available evidence is currently insufficient to determine the role of this variant in disease. Therefore, it has been classified as a Variant of Uncertain Significance.

Revvity Omics, Revvity
Classification: Uncertain significance. Last evaluated: 2024-02-14. Review status: criteria provided, single submitter. Criteria: ACMG Guidelines, 2015. Collection method: clinical testing. Allele origin: germline.

Fulgent Genetics
Classification: Uncertain significance for Glycogen storage disease, type II. Last evaluated: 2021-10-04. Review status: criteria provided, single submitter. Criteria: ACMG Guidelines, 2015. Collection method: clinical testing. Allele origin: unknown.

Literature cited by the submitters: PubMed 17576681 (cited by Labcorp Genetics (formerly Invitae), Labcorp); PubMed 9536098 (cited by Labcorp Genetics (formerly Invitae), Labcorp).